The following is an entry in ClinVar:

ClinVar aggregate classification (germline): Benign. Review status: criteria provided, multiple submitters, no conflicts (2 of 4 stars). 3 submissions from 3 submitters: Benign (3). Last evaluated 2021-05-12.

Conditions:
Ceroid lipofuscinosis, neuronal, 4 (Kufs type) (CLN4). Also called: Neuronal ceroid lipofuscinosis 4B; Ceroid lipofuscinosis, neuronal, 4, Parry type. Identifiers: Orphanet 228343, Orphanet 79262, MedGen C1834207, MONDO:0008083, OMIM 162350.

Allele frequency attached by ClinVar (database versions not stated): gnomAD exomes 0.02632; gnomAD 0.17500 and 0.17505; TOPMed 0.20646; 1000 Genomes Project 30x 0.27436; 1000 Genomes Project 0.27616.

Submissions (3):

GeneDx
Classification: Benign. Last evaluated: 2021-05-12. Review status: criteria provided, single submitter. Criteria: GeneDx Variant Classification Process June 2021. Collection method: clinical testing. Allele origin: germline. Affected: yes.

Illumina Laboratory Services, Illumina
Classification: Benign for Ceroid lipofuscinosis, neuronal, 4 (Kufs type). Last evaluated: 2018-01-13. Review status: criteria provided, single submitter. Criteria: ICSL Variant Classification Criteria 13 December 2019. Collection method: clinical testing. Allele origin: germline.
Comment: This variant was observed in the ICSL laboratory as part of a predisposition screen in an ostensibly healthy population. It had not been previously curated by ICSL or reported in the Human Gene Mutation Database (HGMD: prior to June 1st, 2018), and was therefore a candidate for classification through an automated scoring system. Utilizing variant allele frequency, disease prevalence and penetrance estimates, and inheritance mode, an automated score was calculated to assess if this variant is too frequent to cause the disease. Based on the score and internal cut-off values, a variant classified as benign is not then subjected to further curation. The score for this variant resulted in a classification of benign for this disease.

Breakthrough Genomics
Classification: Benign. Review status: criteria provided, single submitter. Criteria: ACMG Guidelines, 2015. Collection method: not provided. Allele origin: germline. Inheritance: Autosomal dominant inheritance. Affected: yes.

NM_025219.3(DNAJC5):c.*2912C>T

Gene: DNAJC5 (DnaJ heat shock protein family (Hsp40) member C5; plus strand). Cytogenetic location: 20q13.33.
Variant type: single nucleotide variant.
Coding change: c.*2912C>T on transcript NM_025219.3 (MANE Select); 2912 bases downstream of the stop codon, C replaced by T.
Molecular consequence: 3 prime UTR variant.
Genome position (GRCh38, 1-based): chr20:63,934,480, C>T. VCF-style: chr20-63934480-C-T. GRCh37 (hg19) VCF-style: chr20-62565833-C-T.
Identifiers: ClinVar variation 339415 (VCV000339415.9), dbSNP rs749723, ClinGen allele CA10653410.
Genomic context (GRCh38, chr20:63,934,480, plus strand): 5'-TCCCTTTGGACGCCGCTGCTGGGGGCTGCCAGGGGCCCTCTGGGGTCGTGCTTTGAGGCC[C>T]GTCCGGTTCACGAGGGGGTCCGGGCAGCACTGACTGCTTCCGACCTGCAGGAGGCGTAGG-3'